The following is an entry in ClinVar:

ClinVar aggregate classification (germline): Pathogenic (1 of 4 stars; one submission).

Conditions:
Primary ciliary dyskinesia. Also called: Ciliary dyskinesia. Identifiers: Orphanet 244, MedGen C0008780, MONDO:0016575, HP:0012265.

Allele frequency attached by ClinVar (database versions not stated): ExAC 0.00001; gnomAD exomes 0.00001.

Submission:

Ambry Genetics
Classification: Pathogenic for Primary ciliary dyskinesia. Last evaluated: 2016-09-27. Review status: criteria provided, single submitter. Criteria: Ambry Variant Classification Scheme 2023. Collection method: clinical testing. Allele origin: germline.
Comment: The c.738_745dupCTTGGAAT pathogenic mutation, located in coding exon 6 of the LRRC6 gene, results from a duplication of CTTGGAAT at nucleotide position 738, causing a translational frameshift with a predicted alternate stop codon (p.F249Sfs*33). This alteration is expected to result in loss of function by premature protein truncation or nonsense-mediated mRNA decay. As such, this alteration is interpreted as a disease-causing mutation.

NM_012472.6(DNAAF11):c.738_745dup (p.Phe249fs)

Gene: DNAAF11 (dynein axonemal assembly factor 11; minus strand). Cytogenetic location: 8q24.22.
Variant type: Duplication.
Coding change: c.738_745dup on transcript NM_012472.6 (MANE Select); coding-DNA positions 738 to 745, 8 bases duplicated (CTTGGAAT; older notation c.738_745dupCTTGGAAT).
Protein change: p.Phe249fs; shifts the reading frame from phenylalanine 249.
Molecular consequence: frameshift variant. On other transcripts: non-coding transcript variant (10).
Genome position (GRCh38, 1-based): chr8:132,625,363-132,625,370, ATTCCAAG duplicated on the plus strand (CTTGGAAT on the coding strand, the reverse complement: DNAAF11 is on the minus strand). VCF-style (leftmost placement, unchanged base first): chr8-132625362-A-AATTCCAAG. GRCh37 (hg19) VCF-style: chr8-133637608-A-AATTCCAAG.
Other names: c.738_745dup, p.Phe249fs (NM_001321961.2); c.492_499dup, p.Phe167fs (NM_001321962.2); c.378_385dup, p.Phe129fs (NM_001321963.2, NM_001321964.2, NM_001321965.2 and 1 more transcripts); short protein forms F129fs, F167fs, F249fs.
Identifiers: ClinVar variation 1799677 (VCV001799677.2), dbSNP rs771548650, ClinGen allele CA4881313.